The following is an entry in ClinVar:

NM_002485.5(NBN):c.1652G>A (p.Arg551Lys)

Gene: NBN (nibrin; minus strand). Cytogenetic location: 8q21.3.
Variant type: single nucleotide variant.
Coding change: c.1652G>A on transcript NM_002485.5 (MANE Select); coding-DNA position 1652, G replaced by A.
Protein change: p.Arg551Lys; replaces arginine 551 with lysine.
Molecular consequence: missense variant.
Genome position (GRCh38, 1-based): chr8:89,953,437, C>T on the plus strand (G>A on the coding strand, the complement: NBN is on the minus strand). VCF-style: chr8-89953437-C-T. GRCh37 (hg19) VCF-style: chr8-90965665-C-T.
Other names: c.1406G>A, p.Arg469Lys (NM_001024688.3); short protein forms R469K, R551K.
Identifiers: ClinVar variation 928088 (VCV000928088.9), dbSNP rs1586053587, ClinGen allele CA371655396.

ClinVar aggregate classification (germline): Conflicting classifications of pathogenicity. Review status: criteria provided, conflicting classifications (1 of 4 stars). 3 submissions from 3 submitters: Uncertain significance (2); Likely benign (1). Last evaluated 2022-03-27.

Conditions:
Aplastic anemia. Identifiers: Orphanet 182040, Orphanet 88, MedGen C0002874, MONDO:0015909, OMIM 609135, HP:0001915.
Microcephaly, normal intelligence and immunodeficiency (NBS). Also called: Nijmegen breakage syndrome; Microcephaly with normal intelligence immunodeficiency and lymphoreticular malignancies; Nonsyndromal microcephaly autosomal recessive with normal intelligence; Seemanova syndrome 2; IMMUNODEFICIENCY, MICROCEPHALY, AND CHROMOSOMAL INSTABILITY; SEEMANOVA SYNDROME II. Identifiers: Orphanet 647, MedGen C0398791, MONDO:0009623, OMIM 251260.
Hereditary cancer-predisposing syndrome. Also called: Tumor predisposition; Hereditary neoplastic syndrome; Neoplastic Syndromes, Hereditary; Hereditary Cancer Syndrome. Identifiers: Orphanet 140162, MedGen C0027672, MeSH D009386, MONDO:0015356.

Allele frequency attached by ClinVar (database versions not stated): gnomAD 0.00001.
gnomAD v4.1: 1 of 1,613,636 alleles (0.000062%); highest among the groups gnomAD compares: Admixed American, 0.0017%; no homozygotes.

Submissions (3):

Baylor Genetics
Classification: Uncertain significance for Aplastic anemia. Last evaluated: 2022-03-27. Review status: criteria provided, single submitter. Criteria: ACMG Guidelines, 2015. Collection method: clinical testing. Allele origin: unknown.

Labcorp Genetics (formerly Invitae), Labcorp
Classification: Uncertain significance for Microcephaly, normal intelligence and immunodeficiency. Last evaluated: 2021-11-23. Review status: criteria provided, single submitter. Criteria: Invitae Variant Classification Sherloc (09022015). Collection method: clinical testing. Allele origin: germline.
Comment: This sequence change replaces arginine, which is basic and polar, with lysine, which is basic and polar, at codon 551 of the NBN protein (p.Arg551Lys). This variant is not present in population databases (gnomAD no frequency). This variant has not been reported in the literature in individuals affected with NBN-related conditions. ClinVar contains an entry for this variant (Variation ID: 928088). Algorithms developed to predict the effect of missense changes on protein structure and function output the following: SIFT: "Tolerated"; PolyPhen-2: "Benign"; Align-GVGD: "Class C0". The lysine amino acid residue is found in multiple mammalian species, which suggests that this missense change does not adversely affect protein function. In summary, the available evidence is currently insufficient to determine the role of this variant in disease. Therefore, it has been classified as a Variant of Uncertain Significance.

Ambry Genetics
Classification: Likely benign for Hereditary cancer-predisposing syndrome. Last evaluated: 2020-12-31. Review status: criteria provided, single submitter. Criteria: Ambry Variant Classification Scheme 2023. Collection method: clinical testing. Allele origin: germline.